The following is an entry in ClinVar:

NM_000038.6(APC):c.4327C>T (p.Pro1443Ser)

Gene: APC (APC regulator of Wnt signaling pathway; plus strand). Cytogenetic location: 5q22.2.
Variant type: single nucleotide variant.
Coding change: c.4327C>T on transcript NM_000038.6 (MANE Select); coding-DNA position 4327, C replaced by T.
Protein change: p.Pro1443Ser; replaces proline 1443 with serine.
Molecular consequence: missense variant.
Genome position (GRCh38, 1-based): chr5:112,839,921, C>T. VCF-style: chr5-112839921-C-T. GRCh37 (hg19) VCF-style: chr5-112175618-C-T.
Other names: c.4327C>T, p.Pro1443Ser (NM_001127510.3, NM_001354895.2); c.4273C>T, p.Pro1425Ser (NM_001127511.3); c.4381C>T, p.Pro1461Ser (NM_001354896.2); c.4357C>T, p.Pro1453Ser (NM_001354897.2); c.4252C>T, p.Pro1418Ser (NM_001354898.2); c.4243C>T, p.Pro1415Ser (NM_001354899.2); c.4204C>T, p.Pro1402Ser (NM_001354900.2); c.4150C>T, p.Pro1384Ser (NM_001354901.2); and 5 more; short protein forms P1160S, P1283S, P1317S, P1342S, P1352S, P1384S, P1402S, P1415S.
Identifiers: ClinVar variation 1025689 (VCV001025689.10), dbSNP rs1765653000, ClinGen allele CA16030815.

ClinVar aggregate classification (germline): Uncertain significance (1 of 4 stars; one submission).

Conditions:
Familial adenomatous polyposis 1 (FAP1). Also called: FAMILIAL ADENOMATOUS POLYPOSIS 1, ATTENUATED; POLYPOSIS, ADENOMATOUS INTESTINAL. Identifiers: MedGen C2713442, MONDO:0021056, OMIM 175100. Disease mechanism: loss of function.

Allele frequency attached by ClinVar (database versions not stated): gnomAD exomes below 0.00001.
gnomAD v4.1: 1 of 1,614,068 alleles (0.000062%); highest among the groups gnomAD compares: Non-Finnish European, 0.000085%; no homozygotes.

Submission:

Labcorp Genetics (formerly Invitae), Labcorp
Classification: Uncertain significance for Familial adenomatous polyposis 1. Last evaluated: 2025-12-05. Review status: criteria provided, single submitter. Criteria: Invitae Variant Classification Sherloc (09022015). Collection method: clinical testing. Allele origin: germline.
Comment: This sequence change replaces proline, which is neutral and non-polar, with serine, which is neutral and polar, at codon 1443 of the APC protein (p.Pro1443Ser). This variant is not present in population databases (gnomAD no frequency). This variant has not been reported in the literature in individuals affected with APC-related conditions. ClinVar contains an entry for this variant (Variation ID: 1025689). Invitae Evidence Modeling of protein sequence and biophysical properties (such as structural, functional, and spatial information, amino acid conservation, physicochemical variation, residue mobility, and thermodynamic stability) indicates that this missense variant is not expected to disrupt APC protein function with a negative predictive value of 95%. In summary, the available evidence is currently insufficient to determine the role of this variant in disease. Therefore, it has been classified as a Variant of Uncertain Significance.